The following is an entry in ClinVar:

NM_001298.3(CNGA3):c.781C>T (p.Leu261=)

Gene: CNGA3 (cyclic nucleotide gated channel subunit alpha 3; plus strand). Cytogenetic location: 2q11.2.
Variant type: single nucleotide variant.
Coding change: c.781C>T on transcript NM_001298.3 (MANE Select); coding-DNA position 781, C replaced by T.
Protein change: p.Leu261=; no amino-acid change (leucine 261 retained).
Molecular consequence: synonymous variant.
Genome position (GRCh38, 1-based): chr2:98,395,951, C>T. VCF-style: chr2-98395951-C-T. GRCh37 (hg19) VCF-style: chr2-99012414-C-T.
Other names: c.727C>T, p.Leu243= (NM_001079878.2); c.781C>T (NM_001298.2).
Identifiers: ClinVar variation 1136916 (VCV001136916.10), dbSNP rs1329749192, ClinGen allele CA427568392.

ClinVar aggregate classification (germline): Likely benign. Review status: criteria provided, multiple submitters, no conflicts (2 of 4 stars). 2 submissions from 2 submitters: Likely benign (2). Last evaluated 2025-09-15.

Conditions:
CNGA3-related disorder. Also called: CNGA3-related condition.

Allele frequency attached by ClinVar (database versions not stated): gnomAD 0.00001; TOPMed 0.00002.

Submissions (2):

PreventionGenetics, part of Exact Sciences
Classification: Likely benign for CNGA3-related condition. Last evaluated: 2025-09-15. Review status: criteria provided, single submitter. Criteria: ACMG Guidelines, 2015. Collection method: clinical testing. Allele origin: germline.
Comment: This variant is classified as likely benign based on ACMG/AMP sequence variant interpretation guidelines (Richards et al. 2015 PMID: 25741868, with internal and published modifications).

Labcorp Genetics (formerly Invitae), Labcorp
Classification: Likely benign. Last evaluated: 2024-09-19. Review status: criteria provided, single submitter. Criteria: Invitae Variant Classification Sherloc (09022015). Collection method: clinical testing. Allele origin: germline.